The following is an entry in ClinVar:

NM_004370.6(COL12A1):c.4447T>C (p.Tyr1483His)

Gene: COL12A1 (collagen type XII alpha 1 chain; minus strand). Cytogenetic location: 6q13.
Variant type: single nucleotide variant.
Coding change: c.4447T>C on transcript NM_004370.6 (MANE Select); coding-DNA position 4447, T replaced by C.
Protein change: p.Tyr1483His; replaces tyrosine 1483 with histidine.
Molecular consequence: missense variant.
Genome position (GRCh38, 1-based): chr6:75,146,215, A>G on the plus strand (T>C on the coding strand, the complement: COL12A1 is on the minus strand). VCF-style: chr6-75146215-A-G. GRCh37 (hg19) VCF-style: chr6-75855931-A-G.
Other names: c.4447T>C, p.Tyr1483His (NM_001424113.1, NM_001424114.1); c.4174T>C, p.Tyr1392His (NM_001424115.1); c.955T>C, p.Tyr319His (NM_001424116.1, NM_080645.3); short protein forms Y1392H, Y1483H, Y319H.
Identifiers: ClinVar variation 2945271 (VCV002945271.3), dbSNP rs2533363691, ClinGen allele CA364744015.

ClinVar aggregate classification (germline): Uncertain significance (1 of 4 stars; one submission).

Conditions:
Ullrich congenital muscular dystrophy 2 (UCMD2). Identifiers: Orphanet 75840, MedGen C4225314, MONDO:0014654, OMIM 616470.
Bethlem myopathy 2 (BTHLM2). Identifiers: Orphanet 536516, Orphanet 610, MedGen C4225313, MONDO:0034022, OMIM 616471.

Submission:

Labcorp Genetics (formerly Invitae), Labcorp
Classification: Uncertain significance for Bethlem myopathy 2; Ullrich congenital muscular dystrophy 2. Last evaluated: 2023-03-13. Review status: criteria provided, single submitter. Criteria: Invitae Variant Classification Sherloc (09022015). Collection method: clinical testing. Allele origin: germline.
Comment: In summary, the available evidence is currently insufficient to determine the role of this variant in disease. Therefore, it has been classified as a Variant of Uncertain Significance. Algorithms developed to predict the effect of missense changes on protein structure and function output the following: SIFT: "Not Available"; PolyPhen-2: "Benign"; Align-GVGD: "Not Available". The histidine amino acid residue is found in multiple mammalian species, which suggests that this missense change does not adversely affect protein function. This variant has not been reported in the literature in individuals affected with COL12A1-related conditions. This variant is not present in population databases (gnomAD no frequency). This sequence change replaces tyrosine, which is neutral and polar, with histidine, which is basic and polar, at codon 1483 of the COL12A1 protein (p.Tyr1483His).